The following is an entry in ClinVar:

ClinVar aggregate classification (germline): Pathogenic (1 of 4 stars; one submission).

Conditions:
Hereditary breast ovarian cancer syndrome. Also called: Hereditary breast and ovarian cancer syndrome; Hereditary breast and/or ovarian cancer syndrome; Hereditary breast and ovarian cancer; Breast and ovarian cancer; Hereditary breast and ovarian cancer syndrome (HBOC); BRCA1- and BRCA2-Associated Hereditary Breast and Ovarian Cancer. Identifiers: Orphanet 145, MedGen C0677776, MeSH D061325, MONDO:0003582. Disease mechanism: loss of function.

Submission:

Labcorp Genetics (formerly Invitae), Labcorp
Classification: Pathogenic for Hereditary breast ovarian cancer syndrome. Last evaluated: 2024-08-17. Review status: criteria provided, single submitter. Criteria: Invitae Variant Classification Sherloc (09022015). Collection method: clinical testing. Allele origin: germline.
Comment: This sequence change creates a premature translational stop signal (p.Leu3027*) in the BRCA2 gene. It is expected to result in an absent or disrupted protein product. Loss-of-function variants in BRCA2 are known to be pathogenic (PMID: 20104584). This variant is not present in population databases (gnomAD no frequency). This variant has not been reported in the literature in individuals affected with BRCA2-related conditions. Algorithms developed to predict the effect of sequence changes on RNA splicing suggest that this variant may create or strengthen a splice site. For these reasons, this variant has been classified as Pathogenic.

Literature cited by the submitters: PubMed 20104584.

NM_000059.4(BRCA2):c.9080T>G (p.Leu3027Ter)

Gene: BRCA2 (BRCA2 DNA repair associated; plus strand). Cytogenetic location: 13q13.1.
Variant type: single nucleotide variant.
Coding change: c.9080T>G on transcript NM_000059.4 (MANE Select); coding-DNA position 9080, T replaced by G.
Protein change: p.Leu3027Ter; replaces leucine 3027 with a stop codon.
Molecular consequence: nonsense. On other transcripts: non-coding transcript variant (1).
Genome position (GRCh38, 1-based): chr13:32,379,876, T>G. VCF-style: chr13-32379876-T-G. GRCh37 (hg19) VCF-style: chr13-32954013-T-G.
Other names: c.8984T>G, p.Leu2995Ter (NM_001406719.1); c.9029T>G, p.Leu3010Ter (NM_001406720.1); c.4148T>G, p.Leu1383Ter (NM_001406721.1); c.2663T>G, p.Leu888Ter (NM_001406722.1); c.9080T>G, p.Leu3027Ter (NM_001432077.1); short protein forms L1383*, L2995*, L3010*, L3027*, L888*.
Identifiers: ClinVar variation 3662688 (VCV003662688.2).